The following is an entry in ClinVar:

ClinVar aggregate classification (germline): Pathogenic (1 of 4 stars; one submission).

Conditions:
Megaconial type congenital muscular dystrophy (MDCMC). Also called: CHKB-Related Muscle Diseases; MUSCULAR DYSTROPHY, CONGENITAL, WITH MITOCHONDRIAL STRUCTURAL ABNORMALITIES; CHKB-Related Muscular Dystrophy. Identifiers: Orphanet 280671, MedGen C1865233, MONDO:0011246, OMIM 602541.

Submission:

3billion
Classification: Pathogenic for Megaconial type congenital muscular dystrophy. Last evaluated: 2022-01-03. Review status: criteria provided, single submitter. Criteria: ACMG Guidelines, 2015. Collection method: clinical testing. Allele origin: germline. Affected: yes. Observed: 1 homozygote.
Comment: Frameshift: predicted to result in a loss or disruption of normal protein function through nonsense-mediated decay (NMD) or protein truncation. Multiple pathogenic variants are reported downstream of the variant (PVS1_VS). It is not observed in the gnomAD v2.1.1 dataset (PM2_M). Patient’s phenotype is considered compatible with CHKB-related disorder (PP4_P). Therefore, this variant is classified as pathogenic according to the recommendation of ACMG/AMP guideline.

NM_005198.5(CHKB):c.463del (p.Thr155fs)

Genes: CHKB (choline kinase beta; minus strand), CHKB-CPT1B (CHKB-CPT1B readthrough (NMD candidate); minus strand). Cytogenetic location: 22q13.33.
Variant type: Deletion.
Coding change: c.463del on transcript NM_005198.5 (MANE Select); coding-DNA position 463, one base deleted (A; older notation c.463delA).
Protein change: p.Thr155fs; shifts the reading frame from threonine 155.
Molecular consequence: frameshift variant. On other transcripts: non-coding transcript variant (1).
Genome position (GRCh38, 1-based): chr22:50,581,538, T deleted on the plus strand (A on the coding strand, the reverse complement: CHKB is on the minus strand); the first of 4 consecutive T bases (chr22:50,581,538-50,581,541); deleting any one gives the same sequence. VCF-style (leftmost placement, unchanged base first): chr22-50581537-GT-G. GRCh37 (hg19) VCF-style: chr22-51019966-GT-G.
Other names: short protein forms T155fs.
Identifiers: ClinVar variation 1333660 (VCV001333660.1), dbSNP rs2146656234, ClinGen allele CA2573055032.